The following is an entry in ClinVar:

NM_000075.4(CDK4):c.310C>G (p.Leu104Val)

Gene: CDK4 (cyclin dependent kinase 4; minus strand). Cytogenetic location: 12q14.1.
Variant type: single nucleotide variant.
Coding change: c.310C>G on transcript NM_000075.4 (MANE Select); coding-DNA position 310, C replaced by G.
Protein change: p.Leu104Val; replaces leucine 104 with valine.
Molecular consequence: missense variant.
Genome position (GRCh38, 1-based): chr12:57,751,251, G>C on the plus strand (C>G on the coding strand, the complement: CDK4 is on the minus strand). VCF-style: chr12-57751251-G-C. GRCh37 (hg19) VCF-style: chr12-58145034-G-C.
Other names: short protein forms L104V.
Identifiers: ClinVar variation 2777163 (VCV002777163.4), dbSNP rs759535768, ClinGen allele CA385547757.

ClinVar aggregate classification (germline): Uncertain significance. Review status: criteria provided, multiple submitters, no conflicts (2 of 4 stars). 2 submissions from 2 submitters: Uncertain significance (2). Last evaluated 2024-04-29.

Conditions:
Hereditary cancer-predisposing syndrome. Also called: Neoplastic Syndromes, Hereditary; Tumor predisposition; Hereditary Cancer Syndrome; Hereditary neoplastic syndrome. Identifiers: Orphanet 140162, MedGen C0027672, MeSH D009386, MONDO:0015356.
Familial melanoma. Also called: Hereditary melanoma; Hereditary cutaneous melanoma. Identifiers: Orphanet 618, MedGen C1512419, MONDO:0018961.

Submissions (2):

Ambry Genetics
Classification: Uncertain significance for Hereditary cancer-predisposing syndrome. Last evaluated: 2024-04-29. Review status: criteria provided, single submitter. Criteria: Ambry Variant Classification Scheme 2023. Collection method: clinical testing. Allele origin: germline.
Comment: The p.L104V variant (also known as c.310C>G), located in coding exon 2 of the CDK4 gene, results from a C to G substitution at nucleotide position 310. The leucine at codon 104 is replaced by valine, an amino acid with highly similar properties. This amino acid position is well conserved in available vertebrate species. In addition, the in silico prediction for this alteration is inconclusive. Based on the available evidence, the clinical significance of this variant remains unclear.

Labcorp Genetics (formerly Invitae), Labcorp
Classification: Uncertain significance for Familial melanoma. Last evaluated: 2023-08-22. Review status: criteria provided, single submitter. Criteria: Invitae Variant Classification Sherloc (09022015). Collection method: clinical testing. Allele origin: germline.
Comment: In summary, the available evidence is currently insufficient to determine the role of this variant in disease. Therefore, it has been classified as a Variant of Uncertain Significance. An algorithm developed to predict the effect of missense changes on protein structure and function (PolyPhen-2) suggests that this variant is likely to be tolerated. This variant has not been reported in the literature in individuals affected with CDK4-related conditions. This variant is not present in population databases (gnomAD no frequency). This sequence change replaces leucine, which is neutral and non-polar, with valine, which is neutral and non-polar, at codon 104 of the CDK4 protein (p.Leu104Val).